The following is an entry in ClinVar:

ClinVar aggregate classification (germline): Likely benign (1 of 4 stars; one submission).

gnomAD v4.1: 1 of 1,613,876 alleles (0.000062%); no homozygotes.

Submission:

CeGaT Center for Human Genetics Tuebingen
Classification: Likely benign. Last evaluated: 2023-03-01. Review status: criteria provided, single submitter. Criteria: CeGaT Center For Human Genetics Tuebingen Variant Classification Criteria Version 2. Collection method: clinical testing. Allele origin: germline. Affected: yes. Observed: 1 variant allele.
Comment: KALRN: PM2:Supporting, BP4, BP7

NM_001388419.1(KALRN):c.6918T>C (p.Pro2306=)

Gene: KALRN (kalirin RhoGEF kinase; plus strand). Cytogenetic location: 3q21.2.
Variant type: single nucleotide variant.
Coding change: c.6918T>C on transcript NM_001388419.1 (MANE Select); coding-DNA position 6918, T replaced by C.
Protein change: p.Pro2306=; no amino-acid change (proline 2306 retained).
Molecular consequence: synonymous variant.
Genome position (GRCh38, 1-based): chr3:124,671,874, T>C. VCF-style: chr3-124671874-T-C. GRCh37 (hg19) VCF-style: chr3-124390721-T-C.
Other names: c.6915T>C, p.Pro2305= (NM_001024660.5); c.6912T>C, p.Pro2304= (NM_001322988.2); c.1824T>C, p.Pro608= (NM_001322993.2, NM_001322995.2, NM_001322996.2 and 1 more transcripts); c.1851T>C, p.Pro617= (NM_001322994.2); c.1821T>C, p.Pro607= (NM_001322997.2); c.1728T>C, p.Pro576= (NM_001322998.2, NM_001323000.2); c.1725T>C, p.Pro575= (NM_001322999.2, NM_001323001.2); c.4992T>C, p.Pro1664= (NM_001388412.1).
Identifiers: ClinVar variation 2654086 (VCV002654086.24), dbSNP rs2480236601, ClinGen allele CA435325783.
Genomic context (GRCh38, chr3:124,671,874, plus strand): 5'-TCTGCCTCCCCTGAAGATATCTACCTCCAATGGCAGTCCAGGGTTTGAATACCACCAGCC[T>C]GGGGACAAGTTCGAAGCCAGCAAGGTAAGTGACAACTCATTACTCCCACCCTTGTCACTA-3'
Protein context (NP_001375348.1, residues 2296-2316): NGSPGFEYHQ[Pro2306=]GDKFEASKND